The following is an entry in ClinVar:

NM_000053.4(ATP7B):c.3132G>T (p.Leu1044=)

Gene: ATP7B (ATPase copper transporting beta; minus strand). Cytogenetic location: 13q14.3.
Variant type: single nucleotide variant.
Coding change: c.3132G>T on transcript NM_000053.4 (MANE Select); coding-DNA position 3132, G replaced by T.
Protein change: p.Leu1044=; no amino-acid change (leucine 1044 retained).
Molecular consequence: synonymous variant.
Genome position (GRCh38, 1-based): chr13:51,944,220, C>A on the plus strand (G>T on the coding strand, the complement: ATP7B is on the minus strand). VCF-style: chr13-51944220-C-A. GRCh37 (hg19) VCF-style: chr13-52518356-C-A.
Other names: c.2511G>T, p.Leu837= (NM_001005918.3); c.2799G>T, p.Leu933= (NM_001243182.2); c.2898G>T, p.Leu966= (NM_001330578.2); c.2880G>T, p.Leu960= (NM_001330579.2).
Identifiers: ClinVar variation 1140102 (VCV001140102.13), dbSNP rs1957514813, ClinGen allele CA483894725.
Genomic context (GRCh38, chr13:51,944,220, plus strand): 5'-CTCCGCAGTCCCCACCACAGCCAGAACCTTCCTGAGGGGCAGTGTGGCCACATCCCCCAG[C>A]AGGAGCACCCGCATGACCCTGGGGACGCCATGGGTAATGGTGCCAGTCTTGTCAAACATC-3'
Protein context (NP_000044.2, residues 1034-1054): HGVPRVMRVL[Leu1044=]LGDVATLPLR

ClinVar aggregate classification (germline): Likely benign. Review status: criteria provided, multiple submitters, no conflicts (2 of 4 stars). 2 submissions from 2 submitters: Likely benign (2). Last evaluated 2026-02-01.

Conditions:
Wilson disease (WND). Also called: Wilson's disease. Identifiers: Orphanet 905, MedGen C0019202, MONDO:0010200, OMIM 277900. Disease mechanism: loss of function.

Allele frequency attached by ClinVar (database versions not stated): TOPMed below 0.00001.

Submissions (2):

CeGaT Center for Human Genetics Tuebingen
Classification: Likely benign. Last evaluated: 2026-02-01. Review status: criteria provided, single submitter. Criteria: CeGaT Center For Human Genetics Tuebingen Variant Classification Criteria Version 2. Collection method: clinical testing. Allele origin: germline. Affected: yes. Observed: 1 variant allele.
Comment: ATP7B: PM2:Supporting, BP4, BP7

Labcorp Genetics (formerly Invitae), Labcorp
Classification: Likely benign for Wilson disease. Last evaluated: 2020-03-05. Review status: criteria provided, single submitter. Criteria: Invitae Variant Classification Sherloc (09022015). Collection method: clinical testing. Allele origin: germline.